The following is an entry in ClinVar:

NM_000219.6(KCNE1):c.25G>A (p.Val9Met)

Gene: KCNE1 (potassium voltage-gated channel subfamily E regulatory subunit 1; minus strand). Cytogenetic location: 21q22.12.
Variant type: single nucleotide variant.
Coding change: c.25G>A on transcript NM_000219.6 (MANE Select); coding-DNA position 25, G replaced by A.
Protein change: p.Val9Met; replaces valine 9 with methionine.
Molecular consequence: missense variant.
Genome position (GRCh38, 1-based): chr21:34,449,610, C>T on the plus strand (G>A on the coding strand, the complement: KCNE1 is on the minus strand). VCF-style: chr21-34449610-C-T. GRCh37 (hg19) VCF-style: chr21-35821908-C-T.
Other names: c.25G>A, p.Val9Met (NM_001127668.4, NM_001127669.4, NM_001127670.4 and 4 more transcripts); short protein forms V9M.
Identifiers: ClinVar variation 3374434 (VCV003374434.4).

ClinVar aggregate classification (germline): Uncertain significance (1 of 4 stars; one submission).

Conditions:
Long QT syndrome (LQTS). Identifiers: MedGen C0023976, MeSH D008133, MONDO:0002442. Disease mechanism: loss of function. Inheritance: Various modes of inheritance.

Submissions (2):

Labcorp Genetics (formerly Invitae), Labcorp
Classification: Uncertain significance for Long QT syndrome. Last evaluated: 2025-01-12. Review status: criteria provided, single submitter. Criteria: Invitae Variant Classification Sherloc (09022015). Collection method: clinical testing. Allele origin: germline.
Comment: This sequence change replaces valine, which is neutral and non-polar, with methionine, which is neutral and non-polar, at codon 9 of the KCNE1 protein (p.Val9Met). This variant is present in population databases (no rsID available, gnomAD 0.006%). This variant has not been reported in the literature in individuals affected with KCNE1-related conditions. Invitae Evidence Modeling of protein sequence and biophysical properties (such as structural, functional, and spatial information, amino acid conservation, physicochemical variation, residue mobility, and thermodynamic stability) indicates that this missense variant is not expected to disrupt KCNE1 protein function with a negative predictive value of 95%. In summary, the available evidence is currently insufficient to determine the role of this variant in disease. Therefore, it has been classified as a Variant of Uncertain Significance.

Roden Lab, Vanderbilt University Medical Center
No classification provided (evidence only). Condition: Long QT syndrome 5. Review status: no classification provided. Collection method: in vitro. Allele origin: not applicable. Functional consequence: Effect on ion channel function. Not counted in ClinVar's aggregate classification.
ClinVar note: "not provided" was previously submitted as the classification for the variant. However, the classification appeared to be based only on an observation of functional data so it was converted to no classification on 2025-07-30.